The following is an entry in ClinVar:

NM_001042424.3(NSD2):c.3837A>G (p.Glu1279=)

Gene: NSD2 (nuclear receptor binding SET domain protein 2; plus strand). Cytogenetic location: 4p16.3.
Variant type: single nucleotide variant.
Coding change: c.3837A>G on transcript NM_001042424.3 (MANE Select); coding-DNA position 3837, A replaced by G.
Protein change: p.Glu1279=; no amino-acid change (glutamic acid 1279 retained).
Molecular consequence: synonymous variant.
Genome position (GRCh38, 1-based): chr4:1,978,648, A>G. VCF-style: chr4-1978648-A-G. GRCh37 (hg19) VCF-style: chr4-1980375-A-G.
Other names: c.3837A>G, p.Glu1279= (NM_133330.3, NM_133331.3, NM_133335.4).
Identifiers: ClinVar variation 742738 (VCV000742738.5), dbSNP rs146059943, ClinGen allele CA2812890.

ClinVar aggregate classification (germline): Likely benign. Review status: criteria provided, multiple submitters, no conflicts (2 of 4 stars). 2 submissions from 2 submitters: Likely benign (2). Last evaluated 2026-04-01.

Allele frequency attached by ClinVar (database versions not stated): ExAC 0.00003; gnomAD 0.00006 and 0.00007; TOPMed 0.00006; ESP Exome Variant Server 0.00008; 1000 Genomes Project 30x 0.00016; 1000 Genomes Project 0.00020.
gnomAD v4.1: 116 of 1,607,618 alleles (0.0072%); highest among the groups gnomAD compares: African/African-American, 0.015%; no homozygotes.

Submissions (2):

CeGaT Center for Human Genetics Tuebingen
Classification: Likely benign. Last evaluated: 2026-04-01. Review status: criteria provided, single submitter. Criteria: CeGaT Center For Human Genetics Tuebingen Variant Classification Criteria Version 2. Collection method: clinical testing. Allele origin: germline. Affected: yes. Observed: 1 variant allele.
Comment: NSD2: BP4, BP7

Labcorp Genetics (formerly Invitae), Labcorp
Classification: Likely benign. Last evaluated: 2018-05-08. Review status: criteria provided, single submitter. Criteria: Invitae Variant Classification Sherloc (09022015). Collection method: clinical testing. Allele origin: germline.